The following is an entry in ClinVar:

ClinVar aggregate classification (germline): Uncertain significance. Review status: criteria provided, multiple submitters, no conflicts (2 of 4 stars). 2 submissions from 2 submitters: Uncertain significance (2). Last evaluated 2024-12-02.

Conditions:
Inborn genetic diseases. Identifiers: MedGen C0950123, MeSH D030342.

Allele frequency attached by ClinVar (database versions not stated): gnomAD 0.00003; ExAC 0.00004; TOPMed 0.00005; ESP Exome Variant Server 0.00008.
gnomAD v4.1: 97 of 1,609,416 alleles (0.006%); highest among the groups gnomAD compares: Non-Finnish European, 0.0076%; no homozygotes.

Submissions (2):

Ambry Genetics
Classification: Uncertain significance for Inborn genetic diseases. Last evaluated: 2024-12-02. Review status: criteria provided, single submitter. Criteria: Ambry Variant Classification Scheme 2023. Collection method: clinical testing. Allele origin: germline.

Labcorp Genetics (formerly Invitae), Labcorp
Classification: Uncertain significance. Last evaluated: 2022-11-20. Review status: criteria provided, single submitter. Criteria: Invitae Variant Classification Sherloc (09022015). Collection method: clinical testing. Allele origin: germline.
Comment: In summary, the available evidence is currently insufficient to determine the role of this variant in disease. Therefore, it has been classified as a Variant of Uncertain Significance. Algorithms developed to predict the effect of missense changes on protein structure and function (SIFT, PolyPhen-2, Align-GVGD) all suggest that this variant is likely to be tolerated. This variant has not been reported in the literature in individuals affected with SLC9A3R1-related conditions. This variant is present in population databases (rs150507328, gnomAD 0.03%). This sequence change replaces arginine, which is basic and polar, with cysteine, which is neutral and slightly polar, at codon 270 of the SLC9A3R1 protein (p.Arg270Cys).

NM_004252.5(NHERF1):c.808C>T (p.Arg270Cys)

Gene: NHERF1 (NHERF family PDZ scaffold protein 1; plus strand). Cytogenetic location: 17q25.1.
Variant type: single nucleotide variant.
Coding change: c.808C>T on transcript NM_004252.5 (MANE Select); coding-DNA position 808, C replaced by T.
Protein change: p.Arg270Cys; replaces arginine 270 with cysteine.
Molecular consequence: missense variant.
Genome position (GRCh38, 1-based): chr17:74,768,156, C>T. VCF-style: chr17-74768156-C-T. GRCh37 (hg19) VCF-style: chr17-72764295-C-T.
Other names: c.808C>T (NM_004252.3); short protein forms R270C.
Identifiers: ClinVar variation 2898546 (VCV002898546.4), dbSNP rs150507328, ClinGen allele CA8750782.
Genomic context (GRCh38, chr17:74,768,156, plus strand): 5'-GACCCCCTCACCCCATCCTCTGACAACCCACAACCCTCTCCTCTCTGCCAGGAGAACAGT[C>T]GTGAAGCCCTGGCAGAGGCAGCCTTGGAGAGCCCCAGGCCAGCCCTGGTGAGATCCGCCT-3'
Protein context (NP_004243.1, residues 260-280): TNGEIQKENS[Arg270Cys]EALAEAALES